The following is an entry in ClinVar:

ClinVar aggregate classification (germline): Uncertain significance (1 of 4 stars; one submission).

gnomAD v4.1: 3 of 1,614,218 alleles (0.00019%); highest among the groups gnomAD compares: Non-Finnish European, 0.000085%; no homozygotes.

Submission:

GeneDx
Classification: Uncertain significance. Last evaluated: 2023-10-15. Review status: criteria provided, single submitter. Criteria: GeneDx Variant Classification Process June 2021. Collection method: clinical testing. Allele origin: germline. Affected: yes.
Comment: Has not been previously published as pathogenic or benign to our knowledge; Not observed at significant frequency in large population cohorts (gnomAD); In silico analysis supports that this missense variant has a deleterious effect on protein structure/function

NM_001394062.1(MACF1):c.18560G>A (p.Ser6187Asn)

Gene: MACF1 (microtubule actin crosslinking factor 1; plus strand). Cytogenetic location: 1p34.3.
Variant type: single nucleotide variant.
Coding change: c.18560G>A on transcript NM_001394062.1 (MANE Select); coding-DNA position 18560, G replaced by A.
Protein change: p.Ser6187Asn; replaces serine 6187 with asparagine.
Molecular consequence: missense variant.
Genome position (GRCh38, 1-based): chr1:39,441,115, G>A. VCF-style: chr1-39441115-G-A. GRCh37 (hg19) VCF-style: chr1-39906787-G-A.
Other names: c.6638G>A, p.Ser2213Asn (NM_001397473.1); c.12383G>A, p.Ser4128Asn (NM_012090.5); short protein forms S2213N, S4128N, S6187N.
Identifiers: ClinVar variation 3366148 (VCV003366148.1).